The following is an entry in ClinVar:

NM_005989.4(AKR1D1):c.*1151A>G

Gene: AKR1D1 (aldo-keto reductase family 1 member D1; plus strand). Cytogenetic location: 7q33.
Variant type: single nucleotide variant.
Coding change: c.*1151A>G on transcript NM_005989.4 (MANE Select); 1151 bases downstream of the stop codon, A replaced by G.
Molecular consequence: 3 prime UTR variant.
Genome position (GRCh38, 1-based): chr7:138,117,813, A>G. VCF-style: chr7-138117813-A-G. GRCh37 (hg19) VCF-style: chr7-137802559-A-G.
Other names: c.*1151A>G (NM_001190906.2); c.*1176A>G (NM_001190907.2).
Identifiers: ClinVar variation 358978 (VCV000358978.5), dbSNP rs548914228, ClinGen allele CA10623305.

ClinVar aggregate classification (germline): Likely benign (1 of 4 stars; one submission).

Conditions:
Congenital bile acid synthesis defect 2 (CBAS2). Also called: CHOLESTASIS WITH DELTA(4)-3-OXOSTEROID 5-BETA-REDUCTASE DEFICIENCY. Identifiers: Orphanet 79303, MedGen C1856127, MONDO:0009339, OMIM 235555.

Allele frequency attached by ClinVar (database versions not stated): TOPMed 0.00003; gnomAD 0.00006; 1000 Genomes Project 30x 0.00281; 1000 Genomes Project 0.00319.

Submission:

Illumina Laboratory Services, Illumina
Classification: Likely benign for Congenital bile acid synthesis defect 2. Last evaluated: 2018-01-13. Review status: criteria provided, single submitter. Criteria: ICSL Variant Classification Criteria 13 December 2019. Collection method: clinical testing. Allele origin: germline.
Comment: This variant was observed in the ICSL laboratory as part of a predisposition screen in an ostensibly healthy population. It had not been previously curated by ICSL or reported in the Human Gene Mutation Database (HGMD: prior to June 1st, 2018), and was therefore a candidate for classification through an automated scoring system. Utilizing variant allele frequency, disease prevalence and penetrance estimates, and inheritance mode, an automated score was calculated to assess if this variant is too frequent to cause the disease. Based on the score and internal cut-off values, a variant classified as likely benign is not then subjected to further curation. The score for this variant resulted in a classification of likely benign for this disease.